The following is an entry in ClinVar:

ClinVar aggregate classification (germline): Pathogenic (1 of 4 stars; one submission).

Submission:

Labcorp Genetics (formerly Invitae), Labcorp
Classification: Pathogenic. Last evaluated: 2021-10-17. Review status: criteria provided, single submitter. Criteria: Invitae Variant Classification Sherloc (09022015). Collection method: clinical testing. Allele origin: germline.
Comment: For these reasons, this variant has been classified as Pathogenic. This variant has not been reported in the literature in individuals affected with ATR-related conditions. This variant is not present in population databases (ExAC no frequency). This sequence change creates a premature translational stop signal (p.Leu1633Serfs*27) in the ATR gene. It is expected to result in an absent or disrupted protein product. Loss-of-function variants in ATR are known to be pathogenic (PMID: 21228398, 23144622).

Literature cited by the submitters: PubMed 21228398; PubMed 23144622.

NM_001184.4(ATR):c.4896dup (p.Leu1633fs)

Gene: ATR (ATR checkpoint kinase; minus strand). Cytogenetic location: 3q23.
Variant type: Duplication.
Coding change: c.4896dup on transcript NM_001184.4 (MANE Select); coding-DNA position 4896, one base duplicated (T; older notation c.4896dupT).
Protein change: p.Leu1633fs; shifts the reading frame from leucine 1633.
Molecular consequence: frameshift variant.
Genome position (GRCh38, 1-based): chr3:142,508,066, A duplicated on the plus strand (T on the coding strand, the reverse complement: ATR is on the minus strand); the first of 4 consecutive A bases (chr3:142,508,066-142,508,069); duplicating any one gives the same sequence. VCF-style (leftmost placement, unchanged base first): chr3-142508065-G-GA. GRCh37 (hg19) VCF-style: chr3-142226907-G-GA.
Other names: c.4704dup, p.Leu1569fs (NM_001354579.2); short protein forms L1633fs, L1569fs.
Identifiers: ClinVar variation 1423201 (VCV001423201.6), dbSNP rs2108361393, ClinGen allele CA2573136607.
Genomic context (GRCh38, chr3:142,508,065, plus strand): 5'-GTGTGTATGCTTTGGAGCGAAAGGAAGCTACTGCCAGAGTATCCTGGGGTATGAGGTCTA[G>GA]AAAACGGGTTACACTCTGATAGTCTTCATAATCCACAGTAGATACTAGATCATAAAAAAA-3'